The following is an entry in ClinVar:

NM_001020658.2(PUM1):c.1506+6T>G

Gene: PUM1 (pumilio RNA binding family member 1; minus strand). Cytogenetic location: 1p35.2.
Variant type: single nucleotide variant.
Coding change: c.1506+6T>G on transcript NM_001020658.2 (MANE Select); 6 bases into the intron after coding-DNA position 1506, T replaced by G.
Molecular consequence: intron variant.
Genome position (GRCh38, 1-based): chr1:30,974,645, A>C on the plus strand (T>G on the coding strand, the complement: PUM1 is on the minus strand). VCF-style: chr1-30974645-A-C. GRCh37 (hg19) VCF-style: chr1-31447492-A-C.
Other names: c.1506+6T>G (NM_014676.3).
Identifiers: ClinVar variation 1309461 (VCV001309461.2), dbSNP rs2124458682, ClinGen allele CA2573051557.

ClinVar aggregate classification (germline): Uncertain significance (1 of 4 stars; one submission).

Submission:

GeneDx
Classification: Uncertain significance. Last evaluated: 2019-10-25. Review status: criteria provided, single submitter. Criteria: GeneDx Variant Classification Process June 2021. Collection method: clinical testing. Allele origin: germline. Affected: yes.
Comment: Not observed in large population cohorts (Lek et al., 2016); Has not been previously published as pathogenic or benign to our knowledge; In silico analysis, which includes splice predictors and evolutionary conservation, suggests this variant may impact gene splicing. In the absence of RNA/functional studies, the actual effect of this sequence change is unknown